The following is an entry in ClinVar:

ClinVar aggregate classification (germline): Conflicting classifications of pathogenicity. Review status: criteria provided, conflicting classifications (1 of 4 stars). 3 submissions from 3 submitters: Likely pathogenic (1); Uncertain significance (1). 1 of the submissions does not count toward it. Last evaluated 2024-07-03.

Conditions:
Cardiovascular phenotype. Identifiers: MedGen CN230736.
Familial long QT syndrome (RWS). Also called: Congenital long QT syndrome; Romano-Ward syndrome; VENTRICULAR FIBRILLATION WITH PROLONGED QT INTERVAL. Identifiers: Orphanet 768, MedGen C1141890, MONDO:0019171.
Long QT syndrome (LQTS). Identifiers: MedGen C0023976, MeSH D008133, MONDO:0002442. Disease mechanism: loss of function. Inheritance: Various modes of inheritance.

Submissions (3):

Ambry Genetics
Classification: Likely pathogenic for Cardiovascular phenotype. Last evaluated: 2024-07-03. Review status: criteria provided, single submitter. Criteria: Ambry Variant Classification Scheme 2023. Collection method: clinical testing. Allele origin: germline.
Comment: The p.E160K variant (also known as c.478G>A) is located in coding exon 3 of the KCNQ1 gene. The glutamic acid at codon 160 is replaced by lysine, an amino acid with similar properties. This change occurs in the first base pair of coding exon 3. This alteration has been reported in several long QT syndrome (LQTS) cohorts with limited clinical information (Splawski I et al. Circulation. 2000;102:1178-85; Tester DJ et al. Heart Rhythm. 2005;2:507-17; Moss AJ et al. Circulation. 2007;115:2481-9). Multiple functional studies indicate this variant significantly reduces peak potassium current density, though two of the studies disagree on whether this alteration results in a trafficking defect (Silva JR et al. Proc. Natl. Acad. Sci. U.S.A. 2009;106:11102-6; Wu D et al. J. Gen. Physiol. 2010;135:595-606; Bartos DC et al. Heart Rhythm. 2011;8:48-55; Vanoye C et al. 2017.; Huang H et al. Sci Adv, 2018;4:eaar2631). Internal structural analysis indicates that this variant interacts with residues of known function and is more disruptive than known pathogenic variants in the region (Ambry internal data; Berman HM et al. Acta Crystallogr. D Biol. Crystallogr. 2002;58:899-907). This variant is considered to be rare based on population cohorts in the Genome Aggregation Database (gnomAD). This amino acid position is highly conserved in available vertebrate species. In addition, this alteration is predicted to be deleterious by in silico analysis. Based on the majority of available evidence to date, this variant is likely to be pathogenic.

Labcorp Genetics (formerly Invitae), Labcorp
Classification: Uncertain significance for Long QT syndrome. Last evaluated: 2022-10-23. Review status: criteria provided, single submitter. Criteria: Invitae Variant Classification Sherloc (09022015). Collection method: clinical testing. Allele origin: germline.
Comment: This missense change has been observed in individual(s) with long QT syndrome (PMID: 10973849, 22949429, 30571187). This variant is not present in population databases (gnomAD no frequency). This sequence change replaces glutamic acid, which is acidic and polar, with lysine, which is basic and polar, at codon 160 of the KCNQ1 protein (p.Glu160Lys). ClinVar contains an entry for this variant (Variation ID: 53049). In summary, the available evidence is currently insufficient to determine the role of this variant in disease. Therefore, it has been classified as a Variant of Uncertain Significance. Algorithms developed to predict the effect of sequence changes on RNA splicing suggest that this variant may create or strengthen a splice site. Experimental studies have shown that this missense change affects KCNQ1 function (PMID: 29532034, 30571187). Algorithms developed to predict the effect of missense changes on protein structure and function (SIFT, PolyPhen-2, Align-GVGD) all suggest that this variant is likely to be disruptive.

Cardiovascular Biomedical Research Unit, Royal Brompton & Harefield NHS Foundation Trust
No classification provided. Condition: Familial long QT syndrome. Review status: no classification provided. Collection method: literature only. Allele origin: germline. Not counted in ClinVar's aggregate classification.
Comment: This variant has been reported as associated with Long QT syndrome in the following publications (PMID:10973849;PMID:15840476;PMID:19841300;PMID:17470695). This is a literature report, and does not necessarily reflect the clinical interpretation of the Imperial College / Royal Brompton Cardiovascular Genetics laboratory.

Literature cited by the submitters: PubMed 10973849 (cited by 3 submitters); PubMed 15840476 (cited by Ambry Genetics and Cardiovascular Biomedical Research Unit, Royal Brompton & Harefield NHS Foundation Trust); PubMed 17470695 (cited by Ambry Genetics and Cardiovascular Biomedical Research Unit, Royal Brompton & Harefield NHS Foundation Trust); PubMed 19549851 (cited by Ambry Genetics); PubMed 19841300 (cited by Ambry Genetics and Cardiovascular Biomedical Research Unit, Royal Brompton & Harefield NHS Foundation Trust); PubMed 20479111 (cited by Ambry Genetics); PubMed 20850564 (cited by Ambry Genetics); PubMed 22456477 (cited by Ambry Genetics); PubMed 22949429 (cited by Ambry Genetics and Labcorp Genetics (formerly Invitae), Labcorp); PubMed 29401425 (cited by Ambry Genetics); PubMed 29532034 (cited by Ambry Genetics and Labcorp Genetics (formerly Invitae), Labcorp); PubMed 30571187 (cited by Labcorp Genetics (formerly Invitae), Labcorp); PubMed 22581653 (cited by Cardiovascular Biomedical Research Unit, Royal Brompton & Harefield NHS Foundation Trust).

NM_000218.3(KCNQ1):c.478G>A (p.Glu160Lys)

Gene: KCNQ1 (potassium voltage-gated channel subfamily Q member 1; plus strand). Cytogenetic location: 11p15.5.
Variant type: single nucleotide variant.
Coding change: c.478G>A on transcript NM_000218.3 (MANE Select); coding-DNA position 478, G replaced by A.
Protein change: p.Glu160Lys; replaces glutamic acid 160 with lysine.
Molecular consequence: missense variant.
Genome position (GRCh38, 1-based): chr11:2,570,628, G>A. VCF-style: chr11-2570628-G-A. GRCh37 (hg19) VCF-style: chr11-2591858-G-A.
Other names: c.478G>A (LRG_287t1); c.478G>A, p.Glu160Lys (NM_001406836.1); c.208G>A, p.Glu70Lys (NM_001406837.1); c.97G>A, p.Glu33Lys (NM_181798.2); short protein forms E160K, E33K, E70K.
Identifiers: ClinVar variation 53049 (VCV000053049.11), dbSNP rs199473453, ClinGen allele CA007208.